The following is an entry in ClinVar:

ClinVar aggregate classification (germline): Likely benign. Review status: criteria provided, multiple submitters, no conflicts (2 of 4 stars). 2 submissions from 2 submitters: Likely benign (2). Last evaluated 2024-04-01.

Allele frequency attached by ClinVar (database versions not stated): ExAC 0.00001; gnomAD 0.00001; gnomAD exomes 0.00001.
gnomAD v4.1: 13 of 1,613,998 alleles (0.00081%); highest among the groups gnomAD compares: East Asian, 0.0089%; no homozygotes.

Submissions (2):

CeGaT Center for Human Genetics Tuebingen
Classification: Likely benign. Last evaluated: 2024-04-01. Review status: criteria provided, single submitter. Criteria: CeGaT Center For Human Genetics Tuebingen Variant Classification Criteria Version 2. Collection method: clinical testing. Allele origin: germline. Affected: yes. Observed: 1 variant allele.
Comment: FAT4: BP4, BP7

Labcorp Genetics (formerly Invitae), Labcorp
Classification: Likely benign. Last evaluated: 2023-08-03. Review status: criteria provided, single submitter. Criteria: Invitae Variant Classification Sherloc (09022015). Collection method: clinical testing. Allele origin: germline.

NM_001291303.3(FAT4):c.9450A>G (p.Leu3150=)

Gene: FAT4 (FAT atypical cadherin 4; plus strand). Cytogenetic location: 4q28.1.
Variant type: single nucleotide variant.
Coding change: c.9450A>G on transcript NM_001291303.3 (MANE Select); coding-DNA position 9450, A replaced by G.
Protein change: p.Leu3150=; no amino-acid change (leucine 3150 retained).
Molecular consequence: synonymous variant.
Genome position (GRCh38, 1-based): chr4:125,450,460, A>G. VCF-style: chr4-125450460-A-G. GRCh37 (hg19) VCF-style: chr4-126371615-A-G.
Other names: c.9450A>G, p.Leu3150= (NM_001291285.3); c.9444A>G, p.Leu3148= (NM_024582.6).
Identifiers: ClinVar variation 2790187 (VCV002790187.23), dbSNP rs771111719, ClinGen allele CA3073527.
Genomic context (GRCh38, chr4:125,450,460, plus strand): 5'-TTCTTCAGGAAATGAAGAAGGCATTTTTGCAATCAATTCTTCTACAGGTATATTAACACT[A>G]GCCAAAGCTCTTGATTATGAGCTATGCCAGAAACACGAAATGACGATTAGTGCTATAGAT-3'
Protein context (NP_001278232.1, residues 3140-3160): AINSSTGILT[Leu3150=]AKALDYELCQ